The following is an entry in ClinVar:

NM_144670.6(A2ML1):c.3503-3T>C

Gene: A2ML1 (alpha-2-macroglobulin like 1; plus strand). Cytogenetic location: 12p13.31.
Variant type: single nucleotide variant.
Coding change: c.3503-3T>C on transcript NM_144670.6 (MANE Select); 3 bases into the intron before coding-DNA position 3503, T replaced by C.
Molecular consequence: intron variant.
Genome position (GRCh38, 1-based): chr12:8,863,791, T>C. VCF-style: chr12-8863791-T-C. GRCh37 (hg19) VCF-style: chr12-9016387-T-C.
Other names: c.2030-3T>C (NM_001282424.3).
Identifiers: ClinVar variation 516015 (VCV000516015.4), dbSNP rs748270792, ClinGen allele CA6436406.

ClinVar aggregate classification (germline): Conflicting classifications of pathogenicity. Review status: criteria provided, conflicting classifications (1 of 4 stars). 2 submissions from 2 submitters: Uncertain significance (1); Likely benign (1). Last evaluated 2025-04-22.

Allele frequency attached by ClinVar (database versions not stated): TOPMed 0.00001; ExAC 0.00002; gnomAD exomes 0.00002.
gnomAD v4.1: 7 of 1,613,970 alleles (0.00043%); highest among the groups gnomAD compares: South Asian, 0.0022%; no homozygotes.

Submissions (2):

Labcorp Genetics (formerly Invitae), Labcorp
Classification: Uncertain significance. Last evaluated: 2025-04-22. Review status: criteria provided, single submitter. Criteria: Invitae Variant Classification Sherloc (09022015). Collection method: clinical testing. Allele origin: germline.
Comment: This sequence change falls in intron 28 of the A2ML1 gene. It does not directly change the encoded amino acid sequence of the A2ML1 protein. It affects a nucleotide within the consensus splice site. This variant is present in population databases (rs748270792, gnomAD 0.007%). This variant has not been reported in the literature in individuals affected with A2ML1-related conditions. ClinVar contains an entry for this variant (Variation ID: 516015). Variants that disrupt the consensus splice site are a relatively common cause of aberrant splicing (PMID: 17576681, 9536098). Algorithms developed to predict the effect of sequence changes on RNA splicing suggest that this variant is not likely to affect RNA splicing. In summary, the available evidence is currently insufficient to determine the role of this variant in disease. Therefore, it has been classified as a Variant of Uncertain Significance.

GeneDx
Classification: Likely benign. Last evaluated: 2018-03-07. Review status: criteria provided, single submitter. Criteria: GeneDx Variant Classification (06012015). Collection method: clinical testing. Allele origin: germline. Affected: yes.
Comment: This variant is considered likely benign or benign based on one or more of the following criteria: it is a conservative change, it occurs at a poorly conserved position in the protein, it is predicted to be benign by multiple in silico algorithms, and/or has population frequency not consistent with disease.

Literature cited by the submitters: PubMed 17576681 (cited by Labcorp Genetics (formerly Invitae), Labcorp); PubMed 9536098 (cited by Labcorp Genetics (formerly Invitae), Labcorp).